The following is an entry in ClinVar:

NM_133468.5(BMPER):c.-263G>A

Gene: BMPER (BMP binding endothelial regulator; plus strand). Cytogenetic location: 7p14.3.
Variant type: single nucleotide variant.
Coding change: c.-263G>A on transcript NM_133468.5; 263 bases upstream of the start codon, G replaced by A.
Molecular consequence: 5 prime UTR variant.
Genome position (GRCh38, 1-based): chr7:33,905,022, G>A. VCF-style: chr7-33905022-G-A. GRCh37 (hg19) VCF-style: chr7-33944634-G-A.
Identifiers: ClinVar variation 360086 (VCV000360086.7), dbSNP rs117405942, ClinGen allele CA10626034.

ClinVar aggregate classification (germline): Benign (1 of 4 stars; one submission).

Conditions:
Diaphanospondylodysostosis. Also called: VERTEBRAL OSSIFICATION, DEFECT IN, WITH NEPHROGENIC RESTS. Identifiers: Orphanet 66637, MedGen C1842691, MONDO:0011946, OMIM 608022.

Allele frequency attached by ClinVar (database versions not stated): 1000 Genomes Project 0.02636; TOPMed 0.01070; gnomAD 0.00523 and 0.00713; 1000 Genomes Project 30x 0.02436; gnomAD exomes 0.00459.
gnomAD v4.1: 1,103 of 156,438 alleles (0.71%); highest among the groups gnomAD compares: East Asian, 12%; 46 homozygotes.

Submission:

Illumina Laboratory Services, Illumina
Classification: Benign for Diaphanospondylodysostosis. Last evaluated: 2018-01-13. Review status: criteria provided, single submitter. Criteria: ICSL Variant Classification Criteria 13 December 2019. Collection method: clinical testing. Allele origin: germline.
Comment: This variant was observed in the ICSL laboratory as part of a predisposition screen in an ostensibly healthy population. It had not been previously curated by ICSL or reported in the Human Gene Mutation Database (HGMD: prior to June 1st, 2018), and was therefore a candidate for classification through an automated scoring system. Utilizing variant allele frequency, disease prevalence and penetrance estimates, and inheritance mode, an automated score was calculated to assess if this variant is too frequent to cause the disease. Based on the score and internal cut-off values, a variant classified as benign is not then subjected to further curation. The score for this variant resulted in a classification of benign for this disease.